The following is an entry in ClinVar:

NM_007294.4(BRCA1):c.870A>T (p.Leu290Phe)

Gene: BRCA1 (BRCA1 DNA repair associated; minus strand). Cytogenetic location: 17q21.31.
Variant type: single nucleotide variant.
Coding change: c.870A>T on transcript NM_007294.4 (MANE Select); coding-DNA position 870, A replaced by T.
Protein change: p.Leu290Phe; replaces leucine 290 with phenylalanine.
Molecular consequence: missense variant. On other transcripts: intron variant (137), 5 prime UTR variant (2).
Genome position (GRCh38, 1-based): chr17:43,094,661, T>A on the plus strand (A>T on the coding strand, the complement: BRCA1 is on the minus strand). VCF-style: chr17-43094661-T-A. GRCh37 (hg19) VCF-style: chr17-41246678-T-A.
Other names: c.661+83A>T (NM_001408446.1, NM_001408435.1, NM_001408448.1 and 6 more transcripts); c.784+83A>T (NM_001408401.1, NM_001408396.1, NM_001407985.1 and 13 more transcripts); c.548-3629A>T (NM_001408494.1); c.664+83A>T (NM_001408444.1, NM_001408438.1, NM_001408430.1 and 12 more transcripts); c.670+1185A>T (NM_001408423.1, NM_001408420.1, NM_001408419.1 and 2 more transcripts); c.646+83A>T (NM_001408455.1, NM_001408466.1, NM_001408458.1 and 11 more transcripts); c.577+83A>T (NM_001408513.1, NM_001408492.1, NM_001408481.1 and 9 more transcripts); c.787+83A>T (NM_007299.4, NM_001407974.1, NM_001407969.1 and 19 more transcripts); and 40 more; short protein forms L178F, L201F, L263F, L162F, L202F, L220F, L264F, L290F.
Identifiers: ClinVar variation 4215110 (VCV004215110.1).

ClinVar aggregate classification (germline): Uncertain significance (1 of 4 stars; one submission).

Conditions:
Hereditary cancer-predisposing syndrome. Also called: Neoplastic Syndromes, Hereditary; Tumor predisposition; Hereditary Cancer Syndrome; Hereditary neoplastic syndrome. Identifiers: Orphanet 140162, MedGen C0027672, MeSH D009386, MONDO:0015356.

gnomAD v4.1: 1 of 1,614,162 alleles (0.000062%); highest among the groups gnomAD compares: Non-Finnish European, 0.000085%; no homozygotes.

Submission:

Ambry Genetics
Classification: Uncertain significance for Hereditary cancer-predisposing syndrome. Last evaluated: 2025-08-09. Review status: criteria provided, single submitter. Criteria: Ambry Variant Classification Scheme 2023. Collection method: clinical testing. Allele origin: germline.
Comment: The p.L290F variant (also known as c.870A>T), located in coding exon 9 of the BRCA1 gene, results from an A to T substitution at nucleotide position 870. The leucine at codon 290 is replaced by phenylalanine, an amino acid with highly similar properties. This amino acid position is conserved. In addition, the in silico prediction for this alteration is inconclusive. Based on the available evidence, the clinical significance of this variant remains unclear.